The following is an entry in ClinVar:

ClinVar aggregate classification (germline): Uncertain significance. Review status: criteria provided, multiple submitters, no conflicts (2 of 4 stars). 2 submissions from 2 submitters: Uncertain significance (2). Last evaluated 2022-04-01.

Conditions:
Developmental and epileptic encephalopathy, 42 (DEE42A). Also called: DEVELOPMENTAL AND EPILEPTIC ENCEPHALOPATHY 42A; EPILEPTIC ENCEPHALOPATHY, EARLY INFANTILE, 42A; Epileptic encephalopathy, early infantile, 42. Identifiers: MedGen C4310716, MONDO:0014917, OMIM 617106.
Episodic ataxia type 2 (EA2). Also called: ACETAZOLAMIDE-RESPONSIVE HEREDITARY PAROXYSMAL CEREBELLAR ATAXIA; ATAXIA, EPISODIC, WITH NYSTAGMUS; ATAXIA, FAMILIAL PAROXYSMAL; CEREBELLAR ATAXIA, PAROXYSMAL, ACETAZOLAMIDE-RESPONSIVE; CEREBELLOPATHY, HEREDITARY PAROXYSMAL; EPISODIC ATAXIA, NYSTAGMUS-ASSOCIATED. Identifiers: Orphanet 97, MedGen C1720416, MONDO:0007163, OMIM 108500.
Inborn genetic diseases. Identifiers: MedGen C0950123, MeSH D030342.

Allele frequency attached by ClinVar (database versions not stated): gnomAD exomes below 0.00001; gnomAD 0.00001 and 0.00003; TOPMed 0.00002.
gnomAD v4.1: 4 of 1,613,288 alleles (0.00025%); highest among the groups gnomAD compares: Non-Finnish European, 0.00034%; no homozygotes.

Submissions (2):

Labcorp Genetics (formerly Invitae), Labcorp
Classification: Uncertain significance for Developmental and epileptic encephalopathy, 42; Episodic ataxia type 2. Last evaluated: 2022-04-01. Review status: criteria provided, single submitter. Criteria: Invitae Variant Classification Sherloc (09022015). Collection method: clinical testing. Allele origin: germline.
Comment: In summary, the available evidence is currently insufficient to determine the role of this variant in disease. Therefore, it has been classified as a Variant of Uncertain Significance. Algorithms developed to predict the effect of missense changes on protein structure and function (SIFT, PolyPhen-2, Align-GVGD) all suggest that this variant is likely to be tolerated. ClinVar contains an entry for this variant (Variation ID: 476277). This variant has not been reported in the literature in individuals affected with CACNA1A-related conditions. This variant is present in population databases (no rsID available, gnomAD 0.002%). This sequence change replaces methionine, which is neutral and non-polar, with valine, which is neutral and non-polar, at codon 249 of the CACNA1A protein (p.Met249Val).

Ambry Genetics
Classification: Uncertain significance for Inborn genetic diseases. Last evaluated: 2017-08-07. Review status: criteria provided, single submitter. Criteria: Ambry Variant Classification Scheme 2023. Collection method: clinical testing. Allele origin: germline.
Comment: The p.M249V variant (also known as c.745A>G), located in coding exon 5 of the CACNA1A gene, results from an A to G substitution at nucleotide position 745. The methionine at codon 249 is replaced by valine, an amino acid with highly similar properties. This amino acid position is well conserved in available vertebrate species. In addition, this alteration is predicted to be deleterious by in silico analysis. Since supporting evidence is limited at this time, the clinical significance of this alteration remains unclear.

NM_001127222.2(CACNA1A):c.745A>G (p.Met249Val)

Gene: CACNA1A (calcium voltage-gated channel subunit alpha1 A; minus strand). Cytogenetic location: 19p13.13.
Variant type: single nucleotide variant.
Coding change: c.745A>G on transcript NM_001127222.2 (MANE Select); coding-DNA position 745, A replaced by G.
Protein change: p.Met249Val; replaces methionine 249 with valine.
Molecular consequence: missense variant.
Genome position (GRCh38, 1-based): chr19:13,365,356, T>C on the plus strand (A>G on the coding strand, the complement: CACNA1A is on the minus strand). VCF-style: chr19-13365356-T-C. GRCh37 (hg19) VCF-style: chr19-13476170-T-C.
Other names: c.745A>G, p.Met249Val (NM_000068.4, NM_001127221.2, NM_001174080.2 and 1 more transcripts); short protein forms M249V.
Identifiers: ClinVar variation 476277 (VCV000476277.11), dbSNP rs1005732031, ClinGen allele CA305559263.
Genomic context (GRCh38, chr19:13,365,356, plus strand): 5'-CATCATGCTCCGTGGACCTACCTGTCCCCTCTTCAAAGCAGGTGGTATGAAATTTTCCCA[T>C]ATAAAATTCTAACCCTATGATTGCAAAAATAAGGATTGCAAAAAATAGGAGGAGGCCGAT-3'
Protein context (NP_001120694.1, residues 239-259): IFAIIGLEFY[Met249Val]GKFHTTCFEE